The following is an entry in ClinVar:

ClinVar aggregate classification (germline): Pathogenic (1 of 4 stars; one submission).

Conditions:
Marfan syndrome (MFS). Also called: MARFAN SYNDROME, TYPE I; Marfan syndrome type 1; Marfan's syndrome; Marfan syndrome, classic; FBN1-Related Marfan Syndrome. Identifiers: Orphanet 284963, Orphanet 558, MedGen C0024796, MONDO:0007947, OMIM 154700.
Familial thoracic aortic aneurysm and aortic dissection (TAAD). Also called: Thoracic aortic aneurysms and dissections. Identifiers: Orphanet 91387, MedGen C4707243, MONDO:0019625.

Submission:

Labcorp Genetics (formerly Invitae), Labcorp
Classification: Pathogenic for Marfan syndrome; Familial thoracic aortic aneurysm and aortic dissection. Last evaluated: 2024-09-11. Review status: criteria provided, single submitter. Criteria: Invitae Variant Classification Sherloc (09022015). Collection method: clinical testing. Allele origin: germline.
Comment: This sequence change replaces cysteine, which is neutral and slightly polar, with arginine, which is basic and polar, at codon 2509 of the FBN1 protein (p.Cys2509Arg). This variant is not present in population databases (gnomAD no frequency). This variant has not been reported in the literature in individuals affected with FBN1-related conditions. Invitae Evidence Modeling of protein sequence and biophysical properties (such as structural, functional, and spatial information, amino acid conservation, physicochemical variation, residue mobility, and thermodynamic stability) indicates that this missense variant is expected to disrupt FBN1 protein function with a positive predictive value of 95%. This variant affects a cysteine residue in the EGF-like, TGFBP or hybrid motif domains of FBN1. Cysteine residues are believed to be involved in intramolecular disulfide bridges and have been shown to be important for FBN1 protein structure (PMID: 16905551, 19349279). In addition, missense substitutions affecting cysteine residues within these domains are significantly overrepresented among patients with Marfan syndrome (PMID: 16571647, 17701892). This variant disrupts the p.Cys2509 amino acid residue in FBN1. Other variant(s) that disrupt this residue have been observed in individuals with FBN1-related conditions (PMID: 19293843, 26787436; internal data), which suggests that this may be a clinically significant amino acid residue. For these reasons, this variant has been classified as Pathogenic.

Literature cited by the submitters: PubMed 16905551; PubMed 19349279; PubMed 16571647; PubMed 17701892; PubMed 19293843; PubMed 26787436.

NM_000138.5(FBN1):c.7525T>C (p.Cys2509Arg)

Gene: FBN1 (fibrillin 1; minus strand). Cytogenetic location: 15q21.1.
Variant type: single nucleotide variant.
Coding change: c.7525T>C on transcript NM_000138.5 (MANE Select); coding-DNA position 7525, T replaced by C.
Protein change: p.Cys2509Arg; replaces cysteine 2509 with arginine.
Molecular consequence: missense variant.
Genome position (GRCh38, 1-based): chr15:48,421,997, A>G on the plus strand (T>C on the coding strand, the complement: FBN1 is on the minus strand). VCF-style: chr15-48421997-A-G. GRCh37 (hg19) VCF-style: chr15-48714194-A-G.
Other names: c.7525T>C, p.Cys2509Arg (NM_001406716.1); short protein forms C2509R.
Identifiers: ClinVar variation 3754040 (VCV003754040.2).